The following is an entry in ClinVar:

NM_022455.5(NSD1):c.7202A>G (p.Gln2401Arg)

Gene: NSD1 (nuclear receptor binding SET domain protein 1; plus strand). Cytogenetic location: 5q35.3.
Variant type: single nucleotide variant.
Coding change: c.7202A>G on transcript NM_022455.5 (MANE Select); coding-DNA position 7202, A replaced by G.
Protein change: p.Gln2401Arg; replaces glutamine 2401 with arginine.
Molecular consequence: missense variant.
Genome position (GRCh38, 1-based): chr5:177,294,570, A>G. VCF-style: chr5-177294570-A-G. GRCh37 (hg19) VCF-style: chr5-176721571-A-G.
Other names: c.6440A>G, p.Gln2147Arg (NM_001409307.1, NM_001409306.1); c.6329A>G, p.Gln2110Arg (NM_001409308.1, NM_172349.5, NM_001365684.2); c.6080A>G, p.Gln2027Arg (NM_001409309.1); c.7202A>G, p.Gln2401Arg (NM_001409301.1, NM_001409302.1, NM_001409303.1); c.6782A>G, p.Gln2261Arg (NM_001409304.1); c.6449A>G, p.Gln2150Arg (NM_001409305.1); short protein forms Q2027R, Q2110R, Q2147R, Q2150R, Q2261R, Q2401R.
Identifiers: ClinVar variation 5040274 (VCV005040274.1).

ClinVar aggregate classification (germline): Uncertain significance (1 of 4 stars; one submission).

Submission:

CeGaT Center for Human Genetics Tuebingen
Classification: Uncertain significance. Last evaluated: 2026-07-01. Review status: criteria provided, single submitter. Criteria: CeGaT Center For Human Genetics Tuebingen Variant Classification Criteria Version 2. Collection method: clinical testing. Allele origin: germline. Affected: yes. Observed: 1 variant allele.
Comment: NSD1: PM2